The following is an entry in ClinVar:

NM_002941.4(ROBO1):c.469G>A (p.Val157Met)

Gene: ROBO1 (roundabout guidance receptor 1; minus strand). Cytogenetic location: 3p12.3.
Variant type: single nucleotide variant.
Coding change: c.469G>A on transcript NM_002941.4 (MANE Select); coding-DNA position 469, G replaced by A.
Protein change: p.Val157Met; replaces valine 157 with methionine.
Molecular consequence: missense variant.
Genome position (GRCh38, 1-based): chr3:78,938,631, C>T on the plus strand (G>A on the coding strand, the complement: ROBO1 is on the minus strand). VCF-style: chr3-78938631-C-T. GRCh37 (hg19) VCF-style: chr3-78987781-C-T.
Other names: c.352G>A, p.Val118Met (NM_001145845.2, NM_133631.4); short protein forms V157M, V118M.
Identifiers: ClinVar variation 3675454 (VCV003675454.2).
Genomic context (GRCh38, chr3:78,938,631, plus strand): 5'-TGCCAAACACAGAGCGCCCAGTTTACTTACTGGCTACTTCCAGCGATGCATTGTGGCTCA[C>T]AGCCTCTCCAAGGTAATTCCTTGCTACACAGACATAGACTCCTTCATCAGGTCTACTTTT-3'
Protein context (NP_002932.1, residues 147-167): CVARNYLGEA[Val157Met]SHNASLEVAI

ClinVar aggregate classification (germline): Uncertain significance (1 of 4 stars; one submission).

gnomAD v4.1: 4 of 1,612,810 alleles (0.00025%); highest among the groups gnomAD compares: Admixed American, 0.0067%; no homozygotes.

Submission:

Labcorp Genetics (formerly Invitae), Labcorp
Classification: Uncertain significance. Last evaluated: 2024-07-01. Review status: criteria provided, single submitter. Criteria: Invitae Variant Classification Sherloc (09022015). Collection method: clinical testing. Allele origin: germline.
Comment: This sequence change replaces valine, which is neutral and non-polar, with methionine, which is neutral and non-polar, at codon 157 of the ROBO1 protein (p.Val157Met). This variant is present in population databases (rs747620428, gnomAD 0.01%). This variant has not been reported in the literature in individuals affected with ROBO1-related conditions. Advanced modeling of protein sequence and biophysical properties (such as structural, functional, and spatial information, amino acid conservation, physicochemical variation, residue mobility, and thermodynamic stability) performed at Invitae indicates that this missense variant is not expected to disrupt ROBO1 protein function with a negative predictive value of 95%. In summary, the available evidence is currently insufficient to determine the role of this variant in disease. Therefore, it has been classified as a Variant of Uncertain Significance.